The following is an entry in ClinVar:

NM_007129.5(ZIC2):c.1051A>G (p.Lys351Glu)

Gene: ZIC2 (Zic family zinc finger 2; plus strand). Cytogenetic location: 13q32.3.
Variant type: single nucleotide variant.
Coding change: c.1051A>G on transcript NM_007129.5 (MANE Select); coding-DNA position 1051, A replaced by G.
Protein change: p.Lys351Glu; replaces lysine 351 with glutamic acid.
Molecular consequence: missense variant.
Genome position (GRCh38, 1-based): chr13:99,983,115, A>G. VCF-style: chr13-99983115-A-G. GRCh37 (hg19) VCF-style: chr13-100635369-A-G.
Other names: short protein forms K351E.
Identifiers: ClinVar variation 3640139 (VCV003640139.2).
Genomic context (GRCh38, chr13:99,983,115, plus strand): 5'-AAACCCTTCCCCTGCCCCTTCCCGGGCTGTGGCAAAGTCTTCGCGCGCTCCGAGAACCTC[A>G]AGATCCACAAAAGGACCCACACAGGTAACCGCGGGCTGGGACAGGGACCAGGCGCGGAGG-3'
Protein context (NP_009060.2, residues 341-361): GKVFARSENL[Lys351Glu]IHKRTHTGEK

ClinVar aggregate classification (germline): Uncertain significance (1 of 4 stars; one submission).

Conditions:
Holoprosencephaly 5 (HPE5). Identifiers: Orphanet 2162, MedGen C1864827, MONDO:0012322, OMIM 609637.

Submission:

Labcorp Genetics (formerly Invitae), Labcorp
Classification: Uncertain significance for Holoprosencephaly 5. Last evaluated: 2024-02-11. Review status: criteria provided, single submitter. Criteria: Invitae Variant Classification Sherloc (09022015). Collection method: clinical testing. Allele origin: germline.
Comment: This sequence change replaces lysine, which is basic and polar, with glutamic acid, which is acidic and polar, at codon 351 of the ZIC2 protein (p.Lys351Glu). This variant is not present in population databases (gnomAD no frequency). This variant has not been reported in the literature in individuals affected with ZIC2-related conditions. Advanced modeling of protein sequence and biophysical properties (such as structural, functional, and spatial information, amino acid conservation, physicochemical variation, residue mobility, and thermodynamic stability) performed at Invitae indicates that this missense variant is expected to disrupt ZIC2 protein function with a positive predictive value of 80%. In summary, the available evidence is currently insufficient to determine the role of this variant in disease. Therefore, it has been classified as a Variant of Uncertain Significance.